The following is an entry in ClinVar:

NM_001365951.3(KIF1B):c.1518G>A (p.Glu506=)

Gene: KIF1B (kinesin family member 1B; plus strand). Cytogenetic location: 1p36.22.
Variant type: single nucleotide variant.
Coding change: c.1518G>A on transcript NM_001365951.3 (MANE Select); coding-DNA position 1518, G replaced by A.
Protein change: p.Glu506=; no amino-acid change (glutamic acid 506 retained).
Molecular consequence: synonymous variant.
Genome position (GRCh38, 1-based): chr1:10,292,050, G>A. VCF-style: chr1-10292050-G-A. GRCh37 (hg19) VCF-style: chr1-10352108-G-A.
Other names: c.1518G>A, p.Glu506= (NM_001365952.1); c.1380G>A, p.Glu460= (NM_001365953.1, NM_015074.3, NM_183416.4).
Identifiers: ClinVar variation 3288365 (VCV003288365.3).

ClinVar aggregate classification (germline): Uncertain significance. Review status: criteria provided, multiple submitters, no conflicts (2 of 4 stars). 2 submissions from 2 submitters: Uncertain significance (2). Last evaluated 2024-07-30.

Conditions:
Charcot-Marie-Tooth disease type 2. Also called: Charcot-Marie-Tooth type 2. Identifiers: Orphanet 64746, MedGen C0270914, MONDO:0018993.

gnomAD v4.1: 4 of 1,613,696 alleles (0.00025%); highest among the groups gnomAD compares: Admixed American, 0.0067%; no homozygotes.

Submissions (2):

Labcorp Genetics (formerly Invitae), Labcorp
Classification: Uncertain significance for Charcot-Marie-Tooth disease type 2. Last evaluated: 2024-07-30. Review status: criteria provided, single submitter. Criteria: Invitae Variant Classification Sherloc (09022015). Collection method: clinical testing. Allele origin: germline.
Comment: This sequence change affects codon 460 of the KIF1B mRNA. It is a 'silent' change, meaning that it does not change the encoded amino acid sequence of the KIF1B protein. This variant is present in population databases (rs759368169, gnomAD 0.01%). This variant has not been reported in the literature in individuals affected with KIF1B-related conditions. Algorithms developed to predict the effect of sequence changes on RNA splicing suggest that this variant may create or strengthen a splice site. In summary, the available evidence is currently insufficient to determine the role of this variant in disease. Therefore, it has been classified as a Variant of Uncertain Significance.

Ambry Genetics
Classification: Uncertain significance. Last evaluated: 2024-05-02. Review status: criteria provided, single submitter. Criteria: Ambry Variant Classification Scheme 2023. Collection method: clinical testing. Allele origin: germline.
Comment: The c.1380G>A variant (also known as p.E460E), located in coding exon 14 of the KIF1B gene, results from a G to A substitution at nucleotide position 1380. This nucleotide substitution does not change the glutamic acid at codon 460. This nucleotide position is not well conserved in available vertebrate species. In silico splice site analysis predicts that this alteration will result in the creation or strengthening of a novel splice acceptor site. The evidence for this gene-disease relationship is limited; therefore, the clinical significance of this alteration is unclear.